The following is an entry in ClinVar:

NM_001042545.2(LTBP4):c.4170G>A (p.Gly1390=)

Gene: LTBP4 (latent transforming growth factor beta binding protein 4; plus strand). Cytogenetic location: 19q13.2.
Variant type: single nucleotide variant.
Coding change: c.4170G>A on transcript NM_001042545.2 (MANE Select); coding-DNA position 4170, G replaced by A.
Protein change: p.Gly1390=; no amino-acid change (glycine 1390 retained).
Molecular consequence: synonymous variant.
Genome position (GRCh38, 1-based): chr19:40,627,159, G>A. VCF-style: chr19-40627159-G-A. GRCh37 (hg19) VCF-style: chr19-41133064-G-A.
Other names: c.4371G>A, p.Gly1457= (NM_001042544.1); c.4260G>A, p.Gly1420= (NM_003573.2).
Identifiers: ClinVar variation 753244 (VCV000753244.8), dbSNP rs754858835, ClinGen allele CA9449248.
Genomic context (GRCh38, chr19:40,627,159, plus strand): 5'-TGGGCCTGAGTTGTACCCACCACCTGCGCTACCCTACGACCCCTACCCACCGCCACCTGG[G>A]CCCTTCGCCCGCCGGGAGGCTCCTTATGGGGCACCCCGCTTCGACATGCCAGACTTTGAG-3'
Protein context (NP_001036010.1, residues 1380-1400): LPYDPYPPPP[Gly1390=]PFARREAPYG

ClinVar aggregate classification (germline): Likely benign. Review status: criteria provided, single submitter (1 of 4 stars). 2 submissions from 2 submitters: Likely benign (1). 1 of the submissions does not count toward it. Last evaluated 2025-09-21.

Conditions:
LTBP4-related disorder. Also called: LTBP4-related condition.

Allele frequency attached by ClinVar (database versions not stated): ExAC 0.00003; gnomAD 0.00003; TOPMed 0.00005.
gnomAD v4.1: 50 of 1,611,716 alleles (0.0031%); highest among the groups gnomAD compares: Middle Eastern, 0.049%; no homozygotes.

Submissions (2):

Labcorp Genetics (formerly Invitae), Labcorp
Classification: Likely benign. Last evaluated: 2025-09-21. Review status: criteria provided, single submitter. Criteria: Invitae Variant Classification Sherloc (09022015). Collection method: clinical testing. Allele origin: germline.

PreventionGenetics, part of Exact Sciences
Classification: Likely benign for LTBP4-related condition. Last evaluated: 2022-05-16. Review status: no assertion criteria provided. Collection method: clinical testing. Allele origin: germline. Not counted in ClinVar's aggregate classification.
Comment: This variant is classified as likely benign based on ACMG/AMP sequence variant interpretation guidelines (Richards et al. 2015 PMID: 25741868, with internal and published modifications).